The following is an entry in ClinVar:

NM_000748.3(CHRNB2):c.732del (p.Cys245fs)

Gene: CHRNB2 (cholinergic receptor nicotinic beta 2 subunit; plus strand). Cytogenetic location: 1q21.3.
Variant type: Deletion.
Coding change: c.732del on transcript NM_000748.3 (MANE Select); coding-DNA position 732, one base deleted (C; older notation c.732delC).
Protein change: p.Cys245fs; shifts the reading frame from cysteine 245.
Molecular consequence: frameshift variant.
Genome position (GRCh38, 1-based): chr1:154,571,555, C deleted; the last of 4 consecutive C bases (chr1:154,571,552-154,571,555); deleting any one gives the same sequence. VCF-style (leftmost placement, unchanged base first): chr1-154571551-TC-T. GRCh37 (hg19) VCF-style: chr1-154544027-TC-T.
Other names: short protein forms C245fs.
Identifiers: ClinVar variation 3367487 (VCV003367487.2).

ClinVar aggregate classification (germline): Uncertain significance. Review status: criteria provided, multiple submitters, no conflicts (2 of 4 stars). 2 submissions from 2 submitters: Uncertain significance (2). Last evaluated 2025-02-20.

Conditions:
Familial sleep-related hypermotor epilepsy. Also called: Autosomal Dominant Sleep-Related Hypermotor (Hyperkinetic) Epilepsy. Identifiers: Orphanet 98784, MedGen C3696898, MONDO:0000030.

Submissions (2):

Labcorp Genetics (formerly Invitae), Labcorp
Classification: Uncertain significance. Last evaluated: 2025-02-20. Review status: criteria provided, single submitter. Criteria: Invitae Variant Classification Sherloc (09022015). Collection method: clinical testing. Allele origin: germline.
Comment: This sequence change creates a premature translational stop signal (p.Cys245Valfs*7) in the CHRNB2 gene. It is expected to result in an absent or disrupted protein product. However, the current clinical and genetic evidence is not sufficient to establish whether loss-of-function variants in CHRNB2 cause disease. This variant is not present in population databases (gnomAD no frequency). This variant has not been reported in the literature in individuals affected with CHRNB2-related conditions. ClinVar contains an entry for this variant (Variation ID: 3367487). In summary, the available evidence is currently insufficient to determine the role of this variant in disease. Therefore, it has been classified as a Variant of Uncertain Significance.

GeneDx
Classification: Uncertain significance. Last evaluated: 2024-01-05. Review status: criteria provided, single submitter. Criteria: GeneDx Variant Classification Process June 2021. Collection method: clinical testing. Allele origin: germline. Affected: yes.
Comment: Not observed at significant frequency in large population cohorts (gnomAD); Has not been previously published as pathogenic or benign to our knowledge; Frameshift variant predicted to result in protein truncation or nonsense mediated decay in a gene for which loss-of-function is not a known mechanism of disease